The following is an entry in ClinVar:

NM_002303.6(LEPR):c.3333G>A (p.Thr1111=)

Gene: LEPR (leptin receptor; plus strand). Cytogenetic location: 1p31.3.
Variant type: single nucleotide variant.
Coding change: c.3333G>A on transcript NM_002303.6 (MANE Select); coding-DNA position 3333, G replaced by A.
Protein change: p.Thr1111=; no amino-acid change (threonine 1111 retained).
Molecular consequence: synonymous variant.
Genome position (GRCh38, 1-based): chr1:65,636,850, G>A. VCF-style: chr1-65636850-G-A. GRCh37 (hg19) VCF-style: chr1-66102533-G-A.
Identifiers: ClinVar variation 4893687 (VCV004893687.2).

ClinVar aggregate classification (germline): Likely benign. Review status: criteria provided, multiple submitters, no conflicts (2 of 4 stars). 2 submissions from 2 submitters: Likely benign (2). Last evaluated 2025-01-24.

Conditions:
LEPR-related disorder. Also called: LEPR-related disorders; LEPR-related condition.

gnomAD v4.1: 47 of 1,612,014 alleles (0.0029%); highest among the groups gnomAD compares: Non-Finnish European, 0.0039%; no homozygotes.

Submissions (2):

PreventionGenetics, part of Exact Sciences
Classification: Likely benign for LEPR-related condition. Last evaluated: 2025-01-24. Review status: criteria provided, single submitter. Criteria: ACMG Guidelines, 2015. Collection method: clinical testing. Allele origin: germline.
Comment: This variant is classified as likely benign based on ACMG/AMP sequence variant interpretation guidelines (Richards et al. 2015 PMID: 25741868, with internal and published modifications).

Blueprint Genetics
Classification: Likely benign. Last evaluated: 2023-08-02. Review status: criteria provided, single submitter. Criteria: ACMG Guidelines, 2015. Collection method: clinical testing. Allele origin: germline.